The following is an entry in ClinVar:

ClinVar aggregate classification (germline): Uncertain significance (1 of 4 stars; one submission).

Allele frequency attached by ClinVar (database versions not stated): gnomAD exomes below 0.00001; ExAC 0.00001; gnomAD 0.00001; TOPMed 0.00001; ESP Exome Variant Server 0.00008.
gnomAD v4.1: 10 of 1,611,446 alleles (0.00062%); highest among the groups gnomAD compares: Non-Finnish European, 0.00085%; no homozygotes.

Submission:

Labcorp Genetics (formerly Invitae), Labcorp
Classification: Uncertain significance. Last evaluated: 2020-12-19. Review status: criteria provided, single submitter. Criteria: Invitae Variant Classification Sherloc (09022015). Collection method: clinical testing. Allele origin: germline.
Comment: In summary, the available evidence is currently insufficient to determine the role of this variant in disease. Therefore, it has been classified as a Variant of Uncertain Significance. Algorithms developed to predict the effect of missense changes on protein structure and function are either unavailable or do not agree on the potential impact of this missense change (SIFT: "Deleterious"; PolyPhen-2: "Benign"; Align-GVGD: "Class C0"). This variant has not been reported in the literature in individuals with SAG-related conditions. This variant is present in population databases (rs199728349, ExAC 0.002%). This sequence change replaces alanine with valine at codon 268 of the SAG protein (p.Ala268Val). The alanine residue is weakly conserved and there is a small physicochemical difference between alanine and valine.

NM_000541.5(SAG):c.803C>T (p.Ala268Val)

Gene: SAG (S-antigen visual arrestin; plus strand). Cytogenetic location: 2q37.1.
Variant type: single nucleotide variant.
Coding change: c.803C>T on transcript NM_000541.5 (MANE Select); coding-DNA position 803, C replaced by T.
Protein change: p.Ala268Val; replaces alanine 268 with valine.
Molecular consequence: missense variant.
Genome position (GRCh38, 1-based): chr2:233,331,709, C>T. VCF-style: chr2-233331709-C-T. GRCh37 (hg19) VCF-style: chr2-234240355-C-T.
Other names: short protein forms A268V.
Identifiers: ClinVar variation 1487781 (VCV001487781.8), dbSNP rs199728349, ClinGen allele CA2174531.